The following is an entry in ClinVar:

NM_000130.5(F5):c.5336A>G (p.Lys1779Arg)

Gene: F5 (coagulation factor V; minus strand). Cytogenetic location: 1q24.2.
Variant type: single nucleotide variant.
Coding change: c.5336A>G on transcript NM_000130.5 (MANE Select); coding-DNA position 5336, A replaced by G.
Protein change: p.Lys1779Arg; replaces lysine 1779 with arginine.
Molecular consequence: missense variant.
Genome position (GRCh38, 1-based): chr1:169,529,691, T>C on the plus strand (A>G on the coding strand, the complement: F5 is on the minus strand). VCF-style: chr1-169529691-T-C. GRCh37 (hg19) VCF-style: chr1-169498929-T-C.
Other names: short protein forms K1779R.
Identifiers: ClinVar variation 4748298 (VCV004748298.1).

ClinVar aggregate classification (germline): Uncertain significance (1 of 4 stars; one submission).

Conditions:
Congenital factor V deficiency. Also called: Hereditary factor V deficiency disease; LABILE FACTOR DEFICIENCY; OWREN PARAHEMOPHILIA; PARAHEMOPHILIA. Identifiers: Orphanet 326, MedGen C0015499, MONDO:0009210, OMIM 227400.

gnomAD v4.1: 8 of 1,613,794 alleles (0.0005%); highest among the groups gnomAD compares: Non-Finnish European, 0.00059%; no homozygotes.

Submission:

Labcorp Genetics (formerly Invitae), Labcorp
Classification: Uncertain significance for Congenital factor V deficiency. Last evaluated: 2026-01-21. Review status: criteria provided, single submitter. Criteria: Invitae Variant Classification Sherloc (09022015). Collection method: clinical testing. Allele origin: germline.
Comment: This sequence change replaces lysine, which is basic and polar, with arginine, which is basic and polar, at codon 1779 of the F5 protein (p.Lys1779Arg). This variant is present in population databases (no rsID available, gnomAD 0.007%). This variant has not been reported in the literature in individuals affected with F5-related conditions. Invitae Evidence Modeling of protein sequence and biophysical properties (such as structural, functional, and spatial information, amino acid conservation, physicochemical variation, residue mobility, and thermodynamic stability) indicates that this missense variant is expected to disrupt F5 protein function with a positive predictive value of 80%. In summary, the available evidence is currently insufficient to determine the role of this variant in disease. Therefore, it has been classified as a Variant of Uncertain Significance.